The following is an entry in ClinVar:

ClinVar aggregate classification (germline): Uncertain significance (1 of 4 stars; one submission).

Conditions:
Dilated cardiomyopathy 1DD (CMD1DD). Identifiers: Orphanet 154, MedGen C2750995, MONDO:0013168, OMIM 613172.

Submission:

Labcorp Genetics (formerly Invitae), Labcorp
Classification: Uncertain significance for Dilated cardiomyopathy 1DD. Last evaluated: 2024-12-18. Review status: criteria provided, single submitter. Criteria: Invitae Variant Classification Sherloc (09022015). Collection method: clinical testing. Allele origin: germline.
Comment: This sequence change replaces valine, which is neutral and non-polar, with aspartic acid, which is acidic and polar, at codon 1043 of the RBM20 protein (p.Val1043Asp). This variant is not present in population databases (gnomAD no frequency). This variant has not been reported in the literature in individuals affected with RBM20-related conditions. Invitae Evidence Modeling of protein sequence and biophysical properties (such as structural, functional, and spatial information, amino acid conservation, physicochemical variation, residue mobility, and thermodynamic stability) indicates that this missense variant is not expected to disrupt RBM20 protein function with a negative predictive value of 95%. In summary, the available evidence is currently insufficient to determine the role of this variant in disease. Therefore, it has been classified as a Variant of Uncertain Significance.

NM_001134363.3(RBM20):c.3128T>A (p.Val1043Asp)

Gene: RBM20 (RNA binding motif protein 20; plus strand). Cytogenetic location: 10q25.2.
Variant type: single nucleotide variant.
Coding change: c.3128T>A on transcript NM_001134363.3 (MANE Select); coding-DNA position 3128, T replaced by A.
Protein change: p.Val1043Asp; replaces valine 1043 with aspartic acid.
Molecular consequence: missense variant.
Genome position (GRCh38, 1-based): chr10:110,821,747, T>A. VCF-style: chr10-110821747-T-A. GRCh37 (hg19) VCF-style: chr10-112581505-T-A.
Other names: short protein forms V1043D.
Identifiers: ClinVar variation 3610876 (VCV003610876.2).